The following is an entry in ClinVar:

NM_001083962.2(TCF4):c.*5-10C>T

Gene: TCF4 (transcription factor 4; minus strand). Cytogenetic location: 18q21.2.
Variant type: single nucleotide variant.
Coding change: c.*5-10C>T on transcript NM_001083962.2 (MANE Select); 10 bases into the intron before 5 bases downstream of the stop codon, C replaced by T.
Molecular consequence: intron variant.
Genome position (GRCh38, 1-based): chr18:55,228,040, G>A on the plus strand (C>T on the coding strand, the complement: TCF4 is on the minus strand). VCF-style: chr18-55228040-G-A. GRCh37 (hg19) VCF-style: chr18-52895271-G-A.
Other names: c.*5-10C>T (NM_001243226.3, NM_001369584.1, NM_001369576.1 and 42 more transcripts).
Identifiers: ClinVar variation 139413 (VCV000139413.7), dbSNP rs552239655, ClinGen allele CA293894.
Genomic context (GRCh38, chr18:55,228,040, plus strand): 5'-CTGTTAAGGAAGTGGTCTCTTGTTTTAATGAAGCAATGTGGCAACTTGGACCTGAGAAAG[G>A]AAAAAAGAGAGAAAAAATTCATTAATATATTTGTAACAGAAAAAGTATGCTTTTTTTAAA-3'

ClinVar aggregate classification (germline): Benign/Likely benign. Review status: criteria provided, multiple submitters, no conflicts (2 of 4 stars). 4 submissions from 4 submitters: Benign (3); Likely benign (1). Last evaluated 2021-10-16.

Conditions:
Pitt-Hopkins syndrome (PTHS). Also called: ENCEPHALOPATHY, SEVERE EPILEPTIC, WITH AUTONOMIC DYSFUNCTION; MENTAL RETARDATION, SYNDROMAL, WITH INTERMITTENT HYPERVENTILATION. Identifiers: Orphanet 2896, MedGen C1970431, MONDO:0012589, OMIM 610954.
Corneal dystrophy, Fuchs endothelial, 3 (FECD3). Also called: FCD2 LOCUS. Identifiers: Orphanet 98974, MedGen C2750451, MONDO:0013203, OMIM 613267.

Allele frequency attached by ClinVar (database versions not stated): TOPMed 0.00046; 1000 Genomes Project 30x 0.00047; gnomAD 0.00052 and 0.00053; 1000 Genomes Project 0.00060.
gnomAD v4.1: 273 of 757,156 alleles (0.036%); highest among the groups gnomAD compares: Middle Eastern, 0.52%; no homozygotes.

Submissions (4):

Fulgent Genetics
Classification: Likely benign for Pitt-Hopkins syndrome; Corneal dystrophy, Fuchs endothelial, 3. Last evaluated: 2021-10-16. Review status: criteria provided, single submitter. Criteria: ACMG Guidelines, 2015. Collection method: clinical testing. Allele origin: unknown.

Illumina Laboratory Services, Illumina
Classification: Benign for Pitt-Hopkins syndrome. Last evaluated: 2018-01-13. Review status: criteria provided, single submitter. Criteria: ICSL Variant Classification Criteria 13 December 2019. Collection method: clinical testing. Allele origin: germline.
Comment: This variant was observed in the ICSL laboratory as part of a predisposition screen in an ostensibly healthy population. It had not been previously curated by ICSL or reported in the Human Gene Mutation Database (HGMD: prior to June 1st, 2018), and was therefore a candidate for classification through an automated scoring system. Utilizing variant allele frequency, disease prevalence and penetrance estimates, and inheritance mode, an automated score was calculated to assess if this variant is too frequent to cause the disease. Based on the score and internal cut-off values, a variant classified as benign is not then subjected to further curation. The score for this variant resulted in a classification of benign for this disease.

GeneDx
Classification: Benign. Last evaluated: 2013-07-02. Review status: criteria provided, single submitter. Criteria: GeneDx Variant Classification (06012015). Collection method: clinical testing. Allele origin: germline. Affected: yes.
Comment: This variant is considered likely benign or benign based on one or more of the following criteria: it is a conservative change, it occurs at a poorly conserved position in the protein, it is predicted to be benign by multiple in silico algorithms, and/or has population frequency not consistent with disease.

Breakthrough Genomics
Classification: Benign. Review status: criteria provided, single submitter. Criteria: ACMG Guidelines, 2015. Collection method: not provided. Allele origin: germline. Inheritance: Autosomal dominant inheritance. Affected: yes.